The following is an entry in ClinVar:

ClinVar aggregate classification (germline): Uncertain significance (0 of 4 stars; one submission).

Conditions:
EHHADH-related disorder. Also called: EHHADH-related condition.

gnomAD v4.1: 1 of 1,614,088 alleles (0.000062%); highest among the groups gnomAD compares: Non-Finnish European, 0.000085%; no homozygotes.

Submission:

PreventionGenetics, part of Exact Sciences
Classification: Uncertain significance for EHHADH-related condition. Last evaluated: 2024-08-19. Review status: no assertion criteria provided. Collection method: clinical testing. Allele origin: germline.
Comment: The EHHADH c.843G>A variant is predicted to result in premature protein termination (p.Trp281*). To our knowledge, this variant has not been reported in the literature or in a large population database, indicating this variant is rare. Loss of function is not an established mechanism of EHHADH-related disease. At this time, the clinical significance of this variant is uncertain due to the absence of conclusive functional and genetic evidence.

NM_001966.4(EHHADH):c.843G>A (p.Trp281Ter)

Gene: EHHADH (enoyl-CoA hydratase and 3-hydroxyacyl CoA dehydrogenase; minus strand). Cytogenetic location: 3q27.2.
Variant type: single nucleotide variant.
Coding change: c.843G>A on transcript NM_001966.4 (MANE Select); coding-DNA position 843, G replaced by A.
Protein change: p.Trp281Ter; replaces tryptophan 281 with a stop codon.
Molecular consequence: nonsense.
Genome position (GRCh38, 1-based): chr3:185,204,483, C>T on the plus strand (G>A on the coding strand, the complement: EHHADH is on the minus strand). VCF-style: chr3-185204483-C-T. GRCh37 (hg19) VCF-style: chr3-184922271-C-T.
Other names: c.555G>A, p.Trp185Ter (NM_001166415.2); short protein forms W185*, W281*.
Identifiers: ClinVar variation 3350202 (VCV003350202.1).
Genomic context (GRCh38, chr3:185,204,483, plus strand): 5'-ACCAACTGAGGAGACAGGCCGCGCTGATGCTGTTTTCCACGATGCTCCGGAGGGAGTTGA[C>T]CACTTATTTGCTTTCCTTTCAGCGAAGAAAGCATATTGCAGGGCTCTAGCCTGCCCTGAT-3'